The following is an entry in ClinVar:

ClinVar aggregate classification (germline): Pathogenic (1 of 4 stars; one submission).

Conditions:
Oligodontia-cancer predisposition syndrome. Also called: TOOTH AGENESIS-COLORECTAL CANCER SYNDROME. Identifiers: Orphanet 300576, MedGen C1837750, MONDO:0012075, OMIM 608615. Disease mechanism: loss of function.

Submission:

Labcorp Genetics (formerly Invitae), Labcorp
Classification: Pathogenic for Oligodontia-cancer predisposition syndrome. Last evaluated: 2022-04-29. Review status: criteria provided, single submitter. Criteria: Invitae Variant Classification Sherloc (09022015). Collection method: clinical testing. Allele origin: germline.
Comment: This variant is a gross deletion of the genomic region encompassing exon(s) 4-5 of the AXIN2 gene. This deletion is out-of-frame, and is expected to create a premature termination codon and result in an absent or disrupted protein product. Loss-of-function variants in AXIN2 are known to be pathogenic (PMID: 15042511, 21416598). This variant has not been reported in the literature in individuals affected with AXIN2-related conditions. For these reasons, this variant has been classified as Pathogenic.

Literature cited by the submitters: PubMed 15042511; PubMed 21416598.

NC_000017.10:g.(?_63534311)_(63537685_?)del

Gene: AXIN2 (axin 2; minus strand). Cytogenetic location: 17q24.1.
Variant type: Deletion.
Identifiers: ClinVar variation 2425195 (VCV002425195.4).